The following is an entry in ClinVar:

NM_015695.3(BRPF3):c.1685del (p.Ala562fs)

Gene: BRPF3 (bromodomain and PHD finger containing 3; plus strand). Cytogenetic location: 6p21.31.
Variant type: Deletion.
Coding change: c.1685del on transcript NM_015695.3 (MANE Select); coding-DNA position 1685, one base deleted (C; older notation c.1685delC).
Protein change: p.Ala562fs; shifts the reading frame from alanine 562.
Molecular consequence: frameshift variant.
Genome position (GRCh38, 1-based): chr6:36,207,392, C deleted. VCF-style (leftmost placement, unchanged base first): chr6-36207391-GC-G. GRCh37 (hg19) VCF-style: chr6-36175168-GC-G.
Other names: short protein forms A562fs.
Identifiers: ClinVar variation 2572227 (VCV002572227.1), dbSNP rs2533020893, ClinGen allele CA2580614874.

ClinVar aggregate classification (germline): Uncertain significance (1 of 4 stars; one submission).

Submission:

Greenwood Genetic Center Diagnostic Laboratories, Greenwood Genetic Center
Classification: Uncertain significance. Last evaluated: 2023-05-18. Review status: criteria provided, single submitter. Criteria: ACMG Guidelines, 2015. Collection method: clinical testing. Allele origin: germline. Affected: yes.
Comment: Gene of Uncertain Significance